The following is an entry in ClinVar:

ClinVar aggregate classification (germline): Likely benign. Review status: criteria provided, multiple submitters, no conflicts (2 of 4 stars). 2 submissions from 2 submitters: Likely benign (2). Last evaluated 2026-05-12.

Conditions:
TTLL5-related disorder. Also called: TTLL5-related condition.

Allele frequency attached by ClinVar (database versions not stated): gnomAD exomes 0.00003 and 0.00011; TOPMed 0.00024; gnomAD 0.00027 and 0.00028.
gnomAD v4.1: 89 of 1,613,266 alleles (0.0055%); highest among the groups gnomAD compares: Admixed American, 0.1%; no homozygotes.

Submissions (2):

PreventionGenetics, part of Exact Sciences
Classification: Likely benign for TTLL5-related condition. Last evaluated: 2026-05-12. Review status: criteria provided, single submitter. Criteria: ACMG Guidelines, 2015. Collection method: clinical testing. Allele origin: germline.
Comment: This variant is classified as likely benign based on ACMG/AMP sequence variant interpretation guidelines (Richards et al. 2015 PMID: 25741868, with internal and published modifications).

Labcorp Genetics (formerly Invitae), Labcorp
Classification: Likely benign. Last evaluated: 2023-08-17. Review status: criteria provided, single submitter. Criteria: Invitae Variant Classification Sherloc (09022015). Collection method: clinical testing. Allele origin: germline.

NM_015072.5(TTLL5):c.1186+9T>C

Gene: TTLL5 (tubulin tyrosine ligase like 5; plus strand). Cytogenetic location: 14q24.3.
Variant type: single nucleotide variant.
Coding change: c.1186+9T>C on transcript NM_015072.5 (MANE Select); 9 bases into the intron after coding-DNA position 1186, T replaced by C.
Molecular consequence: intron variant.
Genome position (GRCh38, 1-based): chr14:75,734,059, T>C. VCF-style: chr14-75734059-T-C. GRCh37 (hg19) VCF-style: chr14-76200402-T-C.
Other names: c.1186+9T>C (NM_015072.4).
Identifiers: ClinVar variation 1661933 (VCV001661933.9), dbSNP rs1406748679, ClinGen allele CA487191965.